The following is an entry in ClinVar:

ClinVar aggregate classification (germline): Uncertain significance. Review status: criteria provided, multiple submitters, no conflicts (2 of 4 stars). 4 submissions from 4 submitters: Uncertain significance (4). Last evaluated 2024-10-28.

Conditions:
SKI-related disorder. Also called: SKI-related condition.
Familial thoracic aortic aneurysm and aortic dissection (TAAD). Also called: Thoracic aortic aneurysms and dissections. Identifiers: Orphanet 91387, MedGen C4707243, MONDO:0019625.
Shprintzen-Goldberg syndrome (SGS). Also called: SHPRINTZEN-GOLDBERG CRANIOSYNOSTOSIS SYNDROME; CRANIOSYNOSTOSIS WITH ARACHNODACTYLY AND ABDOMINAL HERNIAS; Marfanoid disorder with craniosynostosis type 1; Marfanoid craniosynostosis syndrome; Shprintzen-Goldberg marfanoid syndrome. Identifiers: Orphanet 2462, MedGen C1321551, MONDO:0008426, OMIM 182212.

Allele frequency attached by ClinVar (database versions not stated): ExAC 0.00001; gnomAD 0.00001; gnomAD exomes 0.00001; TOPMed 0.00001; ESP Exome Variant Server 0.00008.
gnomAD v4.1: 81 of 1,611,942 alleles (0.005%); highest among the groups gnomAD compares: Non-Finnish European, 0.0069%; no homozygotes.

Submissions (4):

PreventionGenetics, part of Exact Sciences
Classification: Uncertain significance for SKI-related condition. Last evaluated: 2024-10-28. Review status: criteria provided, single submitter. Criteria: ACMG Guidelines, 2015. Collection method: clinical testing. Allele origin: germline.
Comment: The SKI c.1294A>G variant is predicted to result in the amino acid substitution p.Ser432Gly. To our knowledge, this variant has not been reported in the literature. This variant is reported in 0.0019% of alleles in individuals of European (Non-Finnish) descent in gnomAD. At this time, the clinical significance of this variant is uncertain due to the absence of conclusive functional and genetic evidence.

Ambry Genetics
Classification: Uncertain significance for Familial thoracic aortic aneurysm and aortic dissection. Last evaluated: 2024-08-16. Review status: criteria provided, single submitter. Criteria: Ambry Variant Classification Scheme 2023. Collection method: clinical testing. Allele origin: germline.
Comment: The p.S432G variant (also known as c.1294A>G), located in coding exon 4 of the SKI gene, results from an A to G substitution at nucleotide position 1294. The serine at codon 432 is replaced by glycine, an amino acid with similar properties. This amino acid position is conserved. In addition, the in silico prediction for this alteration is inconclusive. Since supporting evidence is limited at this time, the clinical significance of this alteration remains unclear.

Labcorp Genetics (formerly Invitae), Labcorp
Classification: Uncertain significance for Shprintzen-Goldberg syndrome. Last evaluated: 2024-05-16. Review status: criteria provided, single submitter. Criteria: Invitae Variant Classification Sherloc (09022015). Collection method: clinical testing. Allele origin: germline.
Comment: This sequence change replaces serine, which is neutral and polar, with glycine, which is neutral and non-polar, at codon 432 of the SKI protein (p.Ser432Gly). This variant is present in population databases (rs368739670, gnomAD 0.002%). This variant has not been reported in the literature in individuals affected with SKI-related conditions. ClinVar contains an entry for this variant (Variation ID: 449989). Advanced modeling of protein sequence and biophysical properties (such as structural, functional, and spatial information, amino acid conservation, physicochemical variation, residue mobility, and thermodynamic stability) performed at Invitae indicates that this missense variant is not expected to disrupt SKI protein function with a negative predictive value of 95%. In summary, the available evidence is currently insufficient to determine the role of this variant in disease. Therefore, it has been classified as a Variant of Uncertain Significance.

GeneDx
Classification: Uncertain significance. Last evaluated: 2018-03-13. Review status: criteria provided, single submitter. Criteria: GeneDx Variant Classification (06012015). Collection method: clinical testing. Allele origin: germline. Affected: yes.
Comment: A variant of uncertain significance has been identified in the SKI gene. The S432G variant has not been published as pathogenic or been reported as benign to our knowledge. This variant is not observed at a significant frequency in large population cohorts (Lek et al., 2016; 1000 Genomes Consortium et al., 2015; Exome Variant Server). The S432G variant is a non-conservative amino acid substitution, which is likely to impact secondary protein structure as these residues differ in polarity, charge, size and/or other properties. However, this substitution occurs at a position where amino acids with similar properties to serine (S) are tolerated across species. Finally, in silico analysis is inconsistent in its predictions as to whether or not the variant is damaging to the protein structure/function.

NM_003036.4(SKI):c.1294A>G (p.Ser432Gly)

Gene: SKI (SKI proto-oncogene; plus strand). Cytogenetic location: 1p36.32.
Variant type: single nucleotide variant.
Coding change: c.1294A>G on transcript NM_003036.4 (MANE Select); coding-DNA position 1294, A replaced by G.
Protein change: p.Ser432Gly; replaces serine 432 with glycine.
Molecular consequence: missense variant.
Genome position (GRCh38, 1-based): chr1:2,303,922, A>G. VCF-style: chr1-2303922-A-G. GRCh37 (hg19) VCF-style: chr1-2235361-A-G.
Other names: short protein forms S432G.
Identifiers: ClinVar variation 449989 (VCV000449989.9), dbSNP rs368739670, ClinGen allele CA536659.